The following is an entry in ClinVar:

ClinVar aggregate classification (germline): Likely benign (0 of 4 stars; one submission).

Conditions:
SFTPA2-related disorder. Also called: SFTPA2-related condition.

Allele frequency attached by ClinVar (database versions not stated): 1000 Genomes Project 0.01238; 1000 Genomes Project 30x 0.01296.
gnomAD v4.1: 4,100 of 1,585,742 alleles (0.26%); highest among the groups gnomAD compares: African/African-American, 3.8%; 61 homozygotes.

Submission:

PreventionGenetics, part of Exact Sciences
Classification: Likely benign for SFTPA2-related condition. Last evaluated: 2019-03-07. Review status: no assertion criteria provided. Collection method: clinical testing. Allele origin: germline.
Comment: This variant is classified as likely benign based on ACMG/AMP sequence variant interpretation guidelines (Richards et al. 2015 PMID: 25741868, with internal and published modifications).

NM_001098668.4(SFTPA2):c.-23-5G>T

Gene: SFTPA2 (surfactant protein A2; minus strand). Cytogenetic location: 10q22.3.
Variant type: single nucleotide variant.
Coding change: c.-23-5G>T on transcript NM_001098668.4 (MANE Select); 5 bases into the intron before 23 bases upstream of the start codon, G replaced by T.
Molecular consequence: intron variant. On other transcripts: splice acceptor variant (1).
Genome position (GRCh38, 1-based): chr10:79,559,511, C>A on the plus strand (G>T on the coding strand, the complement: SFTPA2 is on the minus strand). VCF-style: chr10-79559511-C-A. GRCh37 (hg19) VCF-style: chr10-81319267-C-A.
Other names: c.-26-2G>T (NM_001320813.2); c.8-5G>T (NM_001320814.1).
Identifiers: ClinVar variation 3060374 (VCV003060374.2), dbSNP rs1650232, ClinGen allele CA5574246.